The following is an entry in ClinVar:

ClinVar aggregate classification (germline): Uncertain significance (1 of 4 stars; one submission).

Submission:

Labcorp Genetics (formerly Invitae), Labcorp
Classification: Uncertain significance. Last evaluated: 2023-08-03. Review status: criteria provided, single submitter. Criteria: Invitae Variant Classification Sherloc (09022015). Collection method: clinical testing. Allele origin: germline.
Comment: This sequence change replaces tyrosine, which is neutral and polar, with asparagine, which is neutral and polar, at codon 601 of the COL10A1 protein (p.Tyr601Asn). This variant is not present in population databases (gnomAD no frequency). This variant has not been reported in the literature in individuals affected with COL10A1-related conditions. Advanced modeling of protein sequence and biophysical properties (such as structural, functional, and spatial information, amino acid conservation, physicochemical variation, residue mobility, and thermodynamic stability) performed at Invitae indicates that this missense variant is expected to disrupt COL10A1 protein function. In summary, the available evidence is currently insufficient to determine the role of this variant in disease. Therefore, it has been classified as a Variant of Uncertain Significance.

NM_000493.4(COL10A1):c.1801T>A (p.Tyr601Asn)

Genes: COL10A1 (collagen type X alpha 1 chain; minus strand), NT5DC1 (5'-nucleotidase domain containing 1; plus strand). Cytogenetic location: 6q22.1.
Variant type: single nucleotide variant.
Coding change: c.1801T>A on transcript NM_000493.4 (MANE Select); coding-DNA position 1801, T replaced by A.
Protein change: p.Tyr601Asn; replaces tyrosine 601 with asparagine.
Molecular consequence: missense variant. On other transcripts: intron variant (1).
Genome position (GRCh38, 1-based): chr6:116,120,315, A>T on the plus strand (T>A on the coding strand, the complement: COL10A1 is on the minus strand). VCF-style: chr6-116120315-A-T. GRCh37 (hg19) VCF-style: chr6-116441478-A-T.
Other names: c.1801T>A, p.Tyr601Asn (NM_001424106.1, NM_001424107.1); c.529+2370A>T (NM_152729.3); short protein forms Y601N.
Identifiers: ClinVar variation 2749770 (VCV002749770.3), dbSNP rs2534084518, ClinGen allele CA365386822.
Genomic context (GRCh38, chr6:116,120,315, plus strand): 5'-CAGGGGTGCCATTCTTATACAGGCCTACCCAAACATGAGTCCCTTTCACATGCACGTGGT[A>T]TGAAAAATAGTATATTCCTGGTATCTGACAAGTAAAGATTCCAGTCCTTGGGTCATAATG-3'
Protein context (NP_000484.2, residues 591-611): CQIPGIYYFS[Tyr601Asn]HVHVKGTHVW